The following is an entry in ClinVar:

ClinVar aggregate classification (germline): Conflicting classifications of pathogenicity. Review status: criteria provided, conflicting classifications (1 of 4 stars). 9 submissions from 5 submitters: Uncertain significance (6); Likely benign (3). Last evaluated 2026-04-17.

Conditions:
TTN-related disorder. Also called: TTN-related condition; TTN-related disease; TTN-related disorders.
Autosomal recessive limb-girdle muscular dystrophy type 2J (LGMDR10). Also called: Limb-girdle muscular dystrophy, type 2J; MUSCULAR DYSTROPHY, LIMB-GIRDLE, AUTOSOMAL RECESSIVE 10. Identifiers: Orphanet 140922, MedGen C1837342, MONDO:0012127, OMIM 608807.
Dilated cardiomyopathy 1G (CMD1G). Identifiers: Orphanet 154, MedGen C1858763, MONDO:0011400, OMIM 604145.
Myopathy, myofibrillar, 9, with early respiratory failure (MFM9). Also called: Hereditary myopathy with early respiratory failure; MYOPATHY, PROXIMAL, WITH EARLY RESPIRATORY MUSCLE INVOLVEMENT; EDSTROM MYOPATHY; Myopathy, distal, with early respiratory failure, autosomal dominant. Identifiers: Orphanet 178464, Orphanet 34521, MedGen C1863599, MONDO:0011362, OMIM 603689.
Early-onset myopathy with fatal cardiomyopathy (CMYO5). Also called: Salih Myopathy; CONGENITAL MYOPATHY 5 WITH CARDIOMYOPATHY. Identifiers: Orphanet 289377, MedGen C2673677, MONDO:0012714, OMIM 611705. Disease mechanism: loss of function.
Tibial muscular dystrophy (TMD). Also called: Udd Distal Myopathy – Tibial Muscular Dystrophy; UDD MYOPATHY; Tibial muscular dystrophy, tardive. Identifiers: Orphanet 609, MedGen C1838244, MONDO:0010870, OMIM 600334.

Allele frequency attached by ClinVar (database versions not stated): gnomAD 0.00005 and 0.00007; gnomAD exomes 0.00008; TOPMed 0.00008; ExAC 0.00013; 1000 Genomes Project 0.00040; 1000 Genomes Project 30x 0.00047.
gnomAD v4.1: 121 of 1,611,376 alleles (0.0075%); highest among the groups gnomAD compares: Admixed American, 0.018%; no homozygotes.

Submissions (9):

PreventionGenetics, part of Exact Sciences
Classification: Uncertain significance for TTN-related condition. Last evaluated: 2026-04-17. Review status: criteria provided, single submitter. Criteria: ACMG Guidelines, 2015. Collection method: clinical testing. Allele origin: germline.
Comment: The TTN c.20354C>T variant is predicted to result in the amino acid substitution p.Ser6785Leu. To our knowledge, this variant has not been reported in the literature. This variant is reported in 0.029% of alleles in individuals of Latino descent in gnomAD. At this time, the clinical significance of this variant is uncertain due to the absence of conclusive functional and genetic evidence.

Blueprint Genetics
Classification: Likely benign. Last evaluated: 2024-11-14. Review status: criteria provided, single submitter. Criteria: ACMG Guidelines, 2015. Collection method: clinical testing. Allele origin: germline.

Revvity Omics, Revvity
Classification: Uncertain significance. Last evaluated: 2021-05-06. Review status: criteria provided, single submitter. Criteria: ACMG Guidelines, 2015. Collection method: clinical testing. Allele origin: germline.

Illumina Laboratory Services, Illumina
Classification: Uncertain significance for Dilated cardiomyopathy 1G. Last evaluated: 2018-01-13. Review status: criteria provided, single submitter. Criteria: ICSL Variant Classification Criteria 13 December 2019. Collection method: clinical testing. Allele origin: germline.

Illumina Laboratory Services, Illumina
Classification: Likely benign for Tibial muscular dystrophy. Last evaluated: 2018-01-13. Review status: criteria provided, single submitter. Criteria: ICSL Variant Classification Criteria 13 December 2019. Collection method: clinical testing. Allele origin: germline.
Comment: This variant was observed in the ICSL laboratory as part of a predisposition screen in an ostensibly healthy population. It had not been previously curated by ICSL or reported in the Human Gene Mutation Database (HGMD: prior to June 1st, 2018), and was therefore a candidate for classification through an automated scoring system. Utilizing variant allele frequency, disease prevalence and penetrance estimates, and inheritance mode, an automated score was calculated to assess if this variant is too frequent to cause the disease. Based on the score and internal cut-off values, a variant classified as likely benign is not then subjected to further curation. The score for this variant resulted in a classification of likely benign for this disease.

Illumina Laboratory Services, Illumina
Classification: Uncertain significance for Early-onset myopathy with fatal cardiomyopathy. Last evaluated: 2018-01-13. Review status: criteria provided, single submitter. Criteria: ICSL Variant Classification Criteria 13 December 2019. Collection method: clinical testing. Allele origin: germline.

Illumina Laboratory Services, Illumina
Classification: Likely benign for Myopathy, myofibrillar, 9, with early respiratory failure. Last evaluated: 2018-01-13. Review status: criteria provided, single submitter. Criteria: ICSL Variant Classification Criteria 13 December 2019. Collection method: clinical testing. Allele origin: germline.
Comment: the same text as in the submission from Illumina Laboratory Services, Illumina above.

Illumina Laboratory Services, Illumina
Classification: Uncertain significance for Autosomal recessive limb-girdle muscular dystrophy type 2J. Last evaluated: 2018-01-13. Review status: criteria provided, single submitter. Criteria: ICSL Variant Classification Criteria 13 December 2019. Collection method: clinical testing. Allele origin: germline.

Labcorp Genetics (formerly Invitae), Labcorp
Classification: Uncertain significance for Dilated cardiomyopathy 1G; Autosomal recessive limb-girdle muscular dystrophy type 2J. Last evaluated: 2017-11-04. Review status: criteria provided, single submitter. Criteria: Invitae Variant Classification Sherloc (09022015). Collection method: clinical testing. Allele origin: germline.

NM_001267550.2(TTN):c.20354C>T (p.Ser6785Leu)

Gene: TTN (titin; minus strand). Cytogenetic location: 2q31.2.
Variant type: single nucleotide variant.
Coding change: c.20354C>T on transcript NM_001267550.2 (MANE Select); coding-DNA position 20354, C replaced by T.
Protein change: p.Ser6785Leu; replaces serine 6785 with leucine.
Molecular consequence: missense variant. On other transcripts: intron variant (3).
Genome position (GRCh38, 1-based): chr2:178,725,968, G>A on the plus strand (C>T on the coding strand, the complement: TTN is on the minus strand). VCF-style: chr2-178725968-G-A. GRCh37 (hg19) VCF-style: chr2-179590695-G-A.
Other names: c.19403C>T, p.Ser6468Leu (NM_001256850.1); c.16622C>T, p.Ser5541Leu (NM_133378.4); c.13282+12114C>T (NM_003319.4); c.13858+12114C>T (NM_133437.4); c.13657+12114C>T (NM_133432.3); short protein forms S6785L, S5541L, S6468L.
Identifiers: ClinVar variation 466876 (VCV000466876.11), dbSNP rs201586695, ClinGen allele CA2001223.